The following is an entry in ClinVar:

ClinVar aggregate classification (germline): Uncertain significance (1 of 4 stars; one submission).

Submission:

Labcorp Genetics (formerly Invitae), Labcorp
Classification: Uncertain significance. Last evaluated: 2022-03-29. Review status: criteria provided, single submitter. Criteria: Invitae Variant Classification Sherloc (09022015). Collection method: clinical testing. Allele origin: germline.
Comment: This sequence change replaces leucine, which is neutral and non-polar, with proline, which is neutral and non-polar, at codon 137 of the ARHGEF18 protein (p.Leu137Pro). In summary, the available evidence is currently insufficient to determine the role of this variant in disease. Therefore, it has been classified as a Variant of Uncertain Significance. Algorithms developed to predict the effect of missense changes on protein structure and function are either unavailable or do not agree on the potential impact of this missense change (SIFT: "Deleterious"; PolyPhen-2: "Probably Damaging"; Align-GVGD: "Class C0"). This variant has not been reported in the literature in individuals affected with ARHGEF18-related conditions. This variant is not present in population databases (gnomAD no frequency).

NM_001367823.1(ARHGEF18):c.974T>C (p.Leu325Pro)

Gene: ARHGEF18 (Rho/Rac guanine nucleotide exchange factor 18; plus strand). Cytogenetic location: 19p13.2.
Variant type: single nucleotide variant.
Coding change: c.974T>C on transcript NM_001367823.1 (MANE Select); coding-DNA position 974, T replaced by C.
Protein change: p.Leu325Pro; replaces leucine 325 with proline.
Molecular consequence: missense variant. On other transcripts: 5 prime UTR variant (2).
Genome position (GRCh38, 1-based): chr19:7,440,350, T>C. VCF-style: chr19-7440350-T-C. GRCh37 (hg19) VCF-style: chr19-7505236-T-C.
Other names: c.248T>C, p.Leu83Pro (NM_001130955.2); c.-65T>C (NM_001367824.1, NM_015318.4); short protein forms L325P, L83P.
Identifiers: ClinVar variation 2119605 (VCV002119605.4), dbSNP rs1179408566, ClinGen allele CA403095840.